The following is an entry in ClinVar:

ClinVar aggregate classification (germline): Benign/Likely benign. Review status: criteria provided, multiple submitters, no conflicts (2 of 4 stars). 6 submissions from 6 submitters: Benign (1); Likely benign (2). 3 of the submissions do not count toward it. Last evaluated 2025-12-13.

Conditions:
TTN-related disorder. Also called: TTN-related disorders; TTN-related condition; TTN-related disease.
Autosomal recessive limb-girdle muscular dystrophy type 2J (LGMDR10). Also called: Limb-girdle muscular dystrophy, type 2J; MUSCULAR DYSTROPHY, LIMB-GIRDLE, AUTOSOMAL RECESSIVE 10. Identifiers: Orphanet 140922, MedGen C1837342, MONDO:0012127, OMIM 608807.
Dilated cardiomyopathy 1G (CMD1G). Identifiers: Orphanet 154, MedGen C1858763, MONDO:0011400, OMIM 604145.

Allele frequency attached by ClinVar (database versions not stated): gnomAD below 0.00001 and 0.00009; TOPMed 0.00003; gnomAD exomes 0.00011 and 0.00031; ExAC 0.00028; 1000 Genomes Project 30x 0.00078; 1000 Genomes Project 0.00100.
gnomAD v4.1: 177 of 1,606,308 alleles (0.011%); highest among the groups gnomAD compares: South Asian, 0.19%; no homozygotes.

Submissions (6):

Labcorp Genetics (formerly Invitae), Labcorp
Classification: Benign for Dilated cardiomyopathy 1G; Autosomal recessive limb-girdle muscular dystrophy type 2J. Last evaluated: 2025-12-13. Review status: criteria provided, single submitter. Criteria: Invitae Variant Classification Sherloc (09022015). Collection method: clinical testing. Allele origin: germline.

Blueprint Genetics
Classification: Likely benign. Last evaluated: 2024-11-21. Review status: criteria provided, single submitter. Criteria: ACMG Guidelines, 2015. Collection method: clinical testing. Allele origin: germline.

CeGaT Center for Human Genetics Tuebingen
Classification: Likely benign. Last evaluated: 2024-06-01. Review status: criteria provided, single submitter. Criteria: CeGaT Center For Human Genetics Tuebingen Variant Classification Criteria Version 2. Collection method: clinical testing. Allele origin: germline. Affected: yes. Observed: 1 variant allele.
Comment: TTN: BP4, BP7

PreventionGenetics, part of Exact Sciences
Classification: Likely benign for TTN-related condition. Last evaluated: 2023-12-11. Review status: no assertion criteria provided. Collection method: clinical testing. Allele origin: germline. Not counted in ClinVar's aggregate classification.
Comment: This variant is classified as likely benign based on ACMG/AMP sequence variant interpretation guidelines (Richards et al. 2015 PMID: 25741868, with internal and published modifications).

Clinical Genetics DNA and cytogenetics Diagnostics Lab, Erasmus MC, Erasmus Medical Center
Classification: Likely benign. Review status: no assertion criteria provided. Collection method: clinical testing. Allele origin: germline. Affected: yes. Study: VKGL Data-share Consensus. Not counted in ClinVar's aggregate classification.

Clinical Genetics, Academic Medical Center
Classification: Benign. Review status: no assertion criteria provided. Collection method: clinical testing. Allele origin: germline. Affected: yes. Study: VKGL Data-share Consensus. Not counted in ClinVar's aggregate classification.

NM_001267550.2(TTN):c.18054A>C (p.Pro6018=)

Gene: TTN (titin; minus strand). Cytogenetic location: 2q31.2.
Variant type: single nucleotide variant.
Coding change: c.18054A>C on transcript NM_001267550.2 (MANE Select); coding-DNA position 18054, A replaced by C.
Protein change: p.Pro6018=; no amino-acid change (proline 6018 retained).
Molecular consequence: synonymous variant. On other transcripts: intron variant (3).
Genome position (GRCh38, 1-based): chr2:178,730,346, T>G on the plus strand (A>C on the coding strand, the complement: TTN is on the minus strand). VCF-style: chr2-178730346-T-G. GRCh37 (hg19) VCF-style: chr2-179595073-T-G.
Other names: c.17103A>C, p.Pro5701= (NM_001256850.1); c.14322A>C, p.Pro4774= (NM_133378.4); c.13282+7736A>C (NM_003319.4); c.13858+7736A>C (NM_133437.4); c.13657+7736A>C (NM_133432.3).
Identifiers: ClinVar variation 700549 (VCV000700549.34), dbSNP rs575829011, ClinGen allele CA2001687.
Genomic context (GRCh38, chr2:178,730,346, plus strand): 5'-AGTGCCACCCACAAGAGCCTTTAACTGTACCCTTGTGTTGGGATTGACATCTTGTGACTG[T>G]GGCTTTTCCACAAAGTAAGGGGGTTCTGAGGTGAAAGAAAAAACAAGCAAAAGAAAATAG-3'
Protein context (NP_001254479.2, residues 6008-6028): VKEPPYFVEK[Pro6018=]QSQDVNPNTR